The following is an entry in ClinVar:

NM_000093.5(COL5A1):c.3290C>T (p.Ala1097Val)

Gene: COL5A1 (collagen type V alpha 1 chain; plus strand). Cytogenetic location: 9q34.3.
Variant type: single nucleotide variant.
Coding change: c.3290C>T on transcript NM_000093.5 (MANE Select); coding-DNA position 3290, C replaced by T.
Protein change: p.Ala1097Val; replaces alanine 1097 with valine.
Molecular consequence: missense variant.
Genome position (GRCh38, 1-based): chr9:134,806,220, C>T. VCF-style: chr9-134806220-C-T. GRCh37 (hg19) VCF-style: chr9-137698066-C-T.
Other names: c.3290C>T, p.Ala1097Val (NM_001278074.1); short protein forms A1097V.
Identifiers: ClinVar variation 2160840 (VCV002160840.4), dbSNP rs1838290988, ClinGen allele CA375451675.
Genomic context (GRCh38, chr9:134,806,220, plus strand): 5'-AAGCAGACTGTTTTCTTGCTCCACCTCAGGGATCTCCAGGGGAGAGAGGTCCAGCTGGAG[C>T]CGCTGGGCCCATCGGAATTCCAGGGAGACCTGGGCCCCAGGGACCCCCAGGGCCGGCAGG-3'
Protein context (NP_000084.3, residues 1087-1107): GSPGERGPAG[Ala1097Val]AGPIGIPGRP

ClinVar aggregate classification (germline): Uncertain significance (1 of 4 stars; one submission).

Conditions:
Ehlers-Danlos syndrome, classic type, 1 (EDSCL1). Also called: Ehlers-Danlos Syndrome, Classic Type, COL5A1-Related; EHLERS-DANLOS SYNDROME, GRAVIS TYPE; EHLERS-DANLOS SYNDROME, SEVERE CLASSIC TYPE; Ehlers-Danlos syndrome, type 1; EDS I. Identifiers: MedGen C0268335, MONDO:0019567, OMIM 130000.

Submission:

Labcorp Genetics (formerly Invitae), Labcorp
Classification: Uncertain significance for Ehlers-Danlos syndrome, classic type, 1. Last evaluated: 2022-07-30. Review status: criteria provided, single submitter. Criteria: Invitae Variant Classification Sherloc (09022015). Collection method: clinical testing. Allele origin: germline.
Comment: In summary, the available evidence is currently insufficient to determine the role of this variant in disease. Therefore, it has been classified as a Variant of Uncertain Significance. Advanced modeling of protein sequence and biophysical properties (such as structural, functional, and spatial information, amino acid conservation, physicochemical variation, residue mobility, and thermodynamic stability) performed at Invitae indicates that this missense variant is not expected to disrupt COL5A1 protein function. This variant has not been reported in the literature in individuals affected with COL5A1-related conditions. This variant is not present in population databases (gnomAD no frequency). This sequence change replaces alanine, which is neutral and non-polar, with valine, which is neutral and non-polar, at codon 1097 of the COL5A1 protein (p.Ala1097Val).